The following is an entry in ClinVar:

NM_000341.4(SLC3A1):c.567G>C (p.Thr189=)

Gene: SLC3A1 (solute carrier family 3 member 1; plus strand). Cytogenetic location: 2p21.
Variant type: single nucleotide variant.
Coding change: c.567G>C on transcript NM_000341.4 (MANE Select); coding-DNA position 567, G replaced by C.
Protein change: p.Thr189=; no amino-acid change (threonine 189 retained).
Molecular consequence: synonymous variant.
Genome position (GRCh38, 1-based): chr2:44,280,852, G>C. VCF-style: chr2-44280852-G-C. GRCh37 (hg19) VCF-style: chr2-44507991-G-C.
Other names: c.567G>C (NM_000341.3).
Identifiers: ClinVar variation 1579621 (VCV001579621.10), dbSNP rs143195837, ClinGen allele CA1640165.

ClinVar aggregate classification (germline): Likely benign. Review status: criteria provided, multiple submitters, no conflicts (2 of 4 stars). 3 submissions from 3 submitters: Likely benign (3). Last evaluated 2026-01-06.

Conditions:
SLC3A1-related disorder. Also called: SLC3A1-related condition.
Cystinuria (CSNU). Also called: CYSTINURIA, TYPE I; CYSTINURIA, TYPE II; CYSTINURIA, TYPE III; Cystinuria, non-type I. Identifiers: Orphanet 214, MedGen C0010691, MONDO:0009067, OMIM 220100, HP:0003131.

Allele frequency attached by ClinVar (database versions not stated): ESP Exome Variant Server 0.00015; TOPMed 0.00021.
gnomAD v4.1: 397 of 1,613,972 alleles (0.025%); highest among the groups gnomAD compares: Non-Finnish European, 0.029%; 1 homozygote.

Submissions (3):

PreventionGenetics, part of Exact Sciences
Classification: Likely benign for SLC3A1-related condition. Last evaluated: 2026-01-06. Review status: criteria provided, single submitter. Criteria: ACMG Guidelines, 2015. Collection method: clinical testing. Allele origin: germline.
Comment: This variant is classified as likely benign based on ACMG/AMP sequence variant interpretation guidelines (Richards et al. 2015 PMID: 25741868, with internal and published modifications).

Labcorp Genetics (formerly Invitae), Labcorp
Classification: Likely benign for Cystinuria. Last evaluated: 2025-10-03. Review status: criteria provided, single submitter. Criteria: Invitae Variant Classification Sherloc (09022015). Collection method: clinical testing. Allele origin: germline.

Blueprint Genetics
Classification: Likely benign. Last evaluated: 2024-04-25. Review status: criteria provided, single submitter. Criteria: ACMG Guidelines, 2015. Collection method: clinical testing. Allele origin: germline.